The following is an entry in ClinVar:

ClinVar aggregate classification (germline): Benign. Review status: criteria provided, multiple submitters, no conflicts (2 of 4 stars). 3 submissions from 3 submitters: Benign (3). Last evaluated 2024-07-15.

Allele frequency attached by ClinVar (database versions not stated): TOPMed 0.33271; gnomAD 0.34117; gnomAD exomes 0.36059; 1000 Genomes Project 30x 0.39959; 1000 Genomes Project 0.40615.

Submissions (3):

Unidad de Genómica Garrahan, Hospital de Pediatría Garrahan
Classification: Benign. Last evaluated: 2024-07-15. Review status: criteria provided, single submitter. Criteria: ACMG Guidelines, 2015. Collection method: clinical testing. Allele origin: germline. Affected: no. Observed: 34 variant alleles.
Comment: This variant is classified as Benign based on local population frequency. This variant was detected in 37% of patients studied in a panel designed for Epileptic and Developmental Encephalopathy and Progressive Myoclonus Epilepsy. Number of patients: 34. Only high quality variants are reported.

GeneDx
Classification: Benign. Last evaluated: 2018-06-14. Review status: criteria provided, single submitter. Criteria: GeneDx Variant Classification (06012015). Collection method: clinical testing. Allele origin: germline. Affected: yes.
Comment: This variant is considered likely benign or benign based on one or more of the following criteria: it is a conservative change, it occurs at a poorly conserved position in the protein, it is predicted to be benign by multiple in silico algorithms, and/or has population frequency not consistent with disease.

Breakthrough Genomics
Classification: Benign. Review status: criteria provided, single submitter. Criteria: ACMG Guidelines, 2015. Collection method: not provided. Allele origin: germline. Inheritance: Autosomal recessive inheritance. Affected: yes.

NM_005506.4(SCARB2):c.-90G>A

Gene: SCARB2 (scavenger receptor class B member 2; minus strand). Cytogenetic location: 4q21.1.
Variant type: single nucleotide variant.
Coding change: c.-90G>A on transcript NM_005506.4 (MANE Select); 90 bases upstream of the start codon, G replaced by A.
Molecular consequence: 5 prime UTR variant.
Genome position (GRCh38, 1-based): chr4:76,213,633, C>T on the plus strand (G>A on the coding strand, the complement: SCARB2 is on the minus strand). VCF-style: chr4-76213633-C-T. GRCh37 (hg19) VCF-style: chr4-77134786-C-T.
Other names: c.-90G>A (NM_001204255.2).
Identifiers: ClinVar variation 670786 (VCV000670786.4), dbSNP rs11547135, ClinGen allele CA11691474.
Genomic context (GRCh38, chr4:76,213,633, plus strand): 5'-CCGCACCCGCCAGGGATCCAACTGCAAGGAGGGAGGAGCCGCCGCAGAGGCGTCGAAGAC[C>T]CGGGACCCTTCGGCGCCACGCCCACGCCCTCCCGGCGCACGGTTCGTGCGCGCAGCTCTG-3'